The following is an entry in ClinVar:

ClinVar aggregate classification (germline): Conflicting classifications of pathogenicity. Review status: criteria provided, conflicting classifications (1 of 4 stars). 2 submissions from 2 submitters: Uncertain significance (1); Benign (1). Last evaluated 2025-02-20.

Conditions:
Adams-Oliver syndrome 5 (AOS5). Identifiers: Orphanet 974, MedGen C4014970, MONDO:0014459, OMIM 616028.
Familial thoracic aortic aneurysm and aortic dissection (TAAD). Also called: Thoracic aortic aneurysms and dissections. Identifiers: Orphanet 91387, MedGen C4707243, MONDO:0019625.

Allele frequency attached by ClinVar (database versions not stated): gnomAD 0.00001; gnomAD exomes 0.00001; TOPMed 0.00001.

Submissions (2):

Labcorp Genetics (formerly Invitae), Labcorp
Classification: Benign for Adams-Oliver syndrome 5. Last evaluated: 2025-02-20. Review status: criteria provided, single submitter. Criteria: Invitae Variant Classification Sherloc (09022015). Collection method: clinical testing. Allele origin: germline.

Ambry Genetics
Classification: Uncertain significance for Familial thoracic aortic aneurysm and aortic dissection. Last evaluated: 2025-02-06. Review status: criteria provided, single submitter. Criteria: Ambry Variant Classification Scheme 2023. Collection method: clinical testing. Allele origin: germline.
Comment: The p.R56Q variant (also known as c.167G>A), located in coding exon 3 of the NOTCH1 gene, results from a G to A substitution at nucleotide position 167. The arginine at codon 56 is replaced by glutamine, an amino acid with highly similar properties. This amino acid position is conserved. In addition, this alteration is predicted to be tolerated by in silico analysis. Based on the available evidence, the clinical significance of this variant remains unclear.

NM_017617.5(NOTCH1):c.167G>A (p.Arg56Gln)

Gene: NOTCH1 (notch receptor 1; minus strand). Cytogenetic location: 9q34.3.
Variant type: single nucleotide variant.
Coding change: c.167G>A on transcript NM_017617.5 (MANE Select); coding-DNA position 167, G replaced by A.
Protein change: p.Arg56Gln; replaces arginine 56 with glutamine.
Molecular consequence: missense variant.
Genome position (GRCh38, 1-based): chr9:136,523,953, C>T on the plus strand (G>A on the coding strand, the complement: NOTCH1 is on the minus strand). VCF-style: chr9-136523953-C-T. GRCh37 (hg19) VCF-style: chr9-139418405-C-T.
Other names: c.167G>A (NM_017617.3); short protein forms R56Q.
Identifiers: ClinVar variation 2775675 (VCV002775675.4), dbSNP rs1286309175, ClinGen allele CA375573180.